The following is an entry in ClinVar:

NM_004519.4(KCNQ3):c.1418G>A (p.Arg473His)

Gene: KCNQ3 (potassium voltage-gated channel subfamily Q member 3; minus strand). Cytogenetic location: 8q24.22.
Variant type: single nucleotide variant.
Coding change: c.1418G>A on transcript NM_004519.4 (MANE Select); coding-DNA position 1418, G replaced by A.
Protein change: p.Arg473His; replaces arginine 473 with histidine.
Molecular consequence: missense variant.
Genome position (GRCh38, 1-based): chr8:132,141,176, C>T on the plus strand (G>A on the coding strand, the complement: KCNQ3 is on the minus strand). VCF-style: chr8-132141176-C-T. GRCh37 (hg19) VCF-style: chr8-133153423-C-T.
Other names: c.1058G>A, p.Arg353His (NM_001204824.2); short protein forms R473H, R353H.
Identifiers: ClinVar variation 1042515 (VCV001042515.9), dbSNP rs138181943, ClinGen allele CA185432823.
Genomic context (GRCh38, chr8:132,141,176, plus strand): 5'-AAAAAGGCATTACCTTCAGAACTCTGCCAGAAAGCGTAGGCTTTCATGCGGAAGGCCGTG[C>T]GGAAACGCTCTTTATTGTTTAAGCCAACAGGCTTTGGTTCTTTAGAAGGACTTTCTTCTA-3'
Protein context (NP_004510.1, residues 463-483): PVGLNNKERF[Arg473His]TAFRMKAYAF

ClinVar aggregate classification (germline): Uncertain significance. Review status: criteria provided, multiple submitters, no conflicts (2 of 4 stars). 2 submissions from 2 submitters: Uncertain significance (2). Last evaluated 2025-02-04.

Conditions:
Benign neonatal seizures. Also called: Benign neonatal familial convulsions; Benign familial neonatal epilepsy; Benign familial neonatal seizures; Convulsions benign familial neonatal dominant form; Autosomal dominant form of benign neonatal seizures. Identifiers: Orphanet 1949, MedGen C0220669, MONDO:0016027.

Allele frequency attached by ClinVar (database versions not stated): gnomAD 0.00001; gnomAD exomes 0.00001; TOPMed 0.00001; ESP Exome Variant Server 0.00008.
gnomAD v4.1: 12 of 1,614,034 alleles (0.00074%); highest among the groups gnomAD compares: African/African-American, 0.0013%; no homozygotes.

Submissions (2):

Labcorp Genetics (formerly Invitae), Labcorp
Classification: Uncertain significance for Benign neonatal seizures. Last evaluated: 2025-02-04. Review status: criteria provided, single submitter. Criteria: Invitae Variant Classification Sherloc (09022015). Collection method: clinical testing. Allele origin: germline.
Comment: This sequence change replaces arginine, which is basic and polar, with histidine, which is basic and polar, at codon 473 of the KCNQ3 protein (p.Arg473His). This variant is present in population databases (rs138181943, gnomAD 0.007%). This missense change has been observed in individuals with clinical features of autosomal dominant KCNQ3-related conditions (internal data). ClinVar contains an entry for this variant (Variation ID: 1042515). Invitae Evidence Modeling of protein sequence and biophysical properties (such as structural, functional, and spatial information, amino acid conservation, physicochemical variation, residue mobility, and thermodynamic stability) indicates that this missense variant is not expected to disrupt KCNQ3 protein function with a negative predictive value of 80%. In summary, the available evidence is currently insufficient to determine the role of this variant in disease. Therefore, it has been classified as a Variant of Uncertain Significance.

Women's Health and Genetics/Laboratory Corporation of America, LabCorp
Classification: Uncertain significance. Last evaluated: 2024-12-30. Review status: criteria provided, single submitter. Criteria: LabCorp Variant Classification Summary - May 2015. Collection method: clinical testing. Allele origin: germline.
Comment: Variant summary: KCNQ3 c.1418G>A (p.Arg473His) results in a non-conservative amino acid change located in the KCNQ voltage-gated potassium channel domain (IPR013821) of the encoded protein sequence. Four of five in-silico tools predict a damaging effect of the variant on protein function. The variant allele was found at a frequency of 8e-06 in 251462 control chromosomes. The available data on variant occurrences in the general population are insufficient to allow any conclusion about variant significance. c.1418G>A has been observed in at least one individual with clinical features of KCNQ3-related disorders (Labcorp; formerly Invitae). These data do not allow any conclusion about variant significance. To our knowledge, no experimental evidence demonstrating an impact on protein function has been reported. ClinVar contains an entry for this variant (Variation ID: 1042515). Based on the evidence outlined above, the variant was classified as uncertain significance.